The following is an entry in ClinVar:

NM_007194.4(CHEK2):c.1259+8A>G

Gene: CHEK2 (checkpoint kinase 2; minus strand). Cytogenetic location: 22q12.1.
Variant type: single nucleotide variant.
Coding change: c.1259+8A>G on transcript NM_007194.4 (MANE Select); 8 bases into the intron after coding-DNA position 1259, A replaced by G.
Molecular consequence: intron variant.
Genome position (GRCh38, 1-based): chr22:28,695,702, T>C on the plus strand (A>G on the coding strand, the complement: CHEK2 is on the minus strand). VCF-style: chr22-28695702-T-C. GRCh37 (hg19) VCF-style: chr22-29091690-T-C.
Other names: c.596+8A>G (NM_001437942.1, NM_001257387.3); c.1058+8A>G (NM_001349956.3); c.1172+8A>G (NM_145862.3); c.1265+8A>G (NM_001438295.1); c.1352+8A>G (NM_001438293.1); c.1301+8A>G (NM_001438294.1); c.1388+8A>G (NM_001005735.3).
Identifiers: ClinVar variation 439090 (VCV000439090.22), dbSNP rs368388249, ClinGen allele CA10167700.

ClinVar aggregate classification (germline): Conflicting classifications of pathogenicity. Review status: criteria provided, conflicting classifications (1 of 4 stars). 7 submissions from 7 submitters: Uncertain significance (2); Benign (2); Likely benign (3). Last evaluated 2026-01-26.

Conditions:
Familial cancer of breast. Also called: hereditary breast carcinoma; Hereditary breast cancer; BREAST CANCER, FAMILIAL. Identifiers: Orphanet 227535, MedGen C0346153, MONDO:0016419, OMIM 114480. Disease mechanism: loss of function.
Hereditary cancer-predisposing syndrome. Also called: Hereditary neoplastic syndrome; Hereditary Cancer Syndrome; Tumor predisposition; Neoplastic Syndromes, Hereditary. Identifiers: Orphanet 140162, MedGen C0027672, MeSH D009386, MONDO:0015356.

Allele frequency attached by ClinVar (database versions not stated): gnomAD exomes 0.00002 and 0.00004; ExAC 0.00003; ESP Exome Variant Server 0.00008; gnomAD 0.00008; TOPMed 0.00008; 1000 Genomes Project 30x 0.00016; 1000 Genomes Project 0.00020.
gnomAD v4.1: 40 of 1,612,434 alleles (0.0025%); highest among the groups gnomAD compares: Middle Eastern, 0.05%; no homozygotes.

Submissions (7):

Labcorp Genetics (formerly Invitae), Labcorp
Classification: Likely benign for Familial cancer of breast. Last evaluated: 2026-01-26. Review status: criteria provided, single submitter. Criteria: Invitae Variant Classification Sherloc (09022015). Collection method: clinical testing. Allele origin: germline.

Women's Health and Genetics/Laboratory Corporation of America, LabCorp
Classification: Likely benign. Last evaluated: 2025-04-23. Review status: criteria provided, single submitter. Criteria: LabCorp Variant Classification Summary - May 2015. Collection method: clinical testing. Allele origin: germline.
Comment: Variant summary: CHEK2 c.1259+8A>G alters a nucleotide located at a position not widely known to affect splicing. Consensus agreement among computation tools predict no significant impact on normal splicing. However, these predictions have yet to be confirmed by functional studies. The variant allele was found at a frequency of 4e-05 in 249956 control chromosomes (gnomAD). This frequency is not significantly higher than estimated for a pathogenic variant in CHEK2 causing Hereditary Breast And Ovarian Cancer Syndrome (4e-05 vs 0.00031), allowing no conclusion about variant significance. c.1259+8A>G has been reported in the literature in an individual affected with breast cancer without evidence for causality (example: Ackay_2020). The report does not provide unequivocal conclusions about association of the variant with Hereditary Breast And Ovarian Cancer Syndrome. To our knowledge, no experimental evidence demonstrating an impact on protein function has been reported. The following publication have been ascertained in the context of this evaluation (PMID: 32658311). ClinVar contains an entry for this variant (Variation ID: 439090). Based on the evidence outlined above, the variant was classified as likely benign.

Myriad Genetics, Inc.
Classification: Benign for Familial cancer of breast. Last evaluated: 2024-10-07. Review status: criteria provided, single submitter. Criteria: Myriad Autosomal Dominant, Autosomal Recessive and X-Linked Classification Criteria (2023). Collection method: clinical testing. Allele origin: unknown.
Comment: This variant is considered benign. This variant is intronic and is not expected to impact mRNA splicing. This variant is strongly associated with less severe personal and family histories of cancer, typical for individuals without pathogenic variants in this gene [PMID: 25085752].

Sema4
Classification: Uncertain significance for Hereditary cancer-predisposing syndrome. Last evaluated: 2021-06-29. Review status: criteria provided, single submitter. Criteria: Sema4 Curation Guidelines. Collection method: curation. Allele origin: germline.
Comment: The CHEK2 c.1259+8A>G variant has been reported in one patient with breast cancer (PMID 28779002). This variant was observed in 6/34534 chromosomes in the Latino population, according to the Genome Aggregation Database (PMID: 32461654). This variant has been reported in ClinVar (Variation ID 439090). 4/5 in silico tools that predict the effect of sequence changes on splicing suggest that this variant has no impact on splicing, though these predictions have not been confirmed by functional studies. The overall evidence is insufficient to meet ACMG/AMP criteria for classifying it as benign or pathogenic. In summary, the clinical significance of this variant is currently uncertain.

Color Diagnostics, LLC DBA Color Health
Classification: Likely benign for Hereditary cancer-predisposing syndrome. Last evaluated: 2017-03-16. Review status: criteria provided, single submitter. Criteria: ACMG Guidelines, 2015. Collection method: clinical testing. Allele origin: germline.

Quest Diagnostics Nichols Institute San Juan Capistrano
Classification: Uncertain significance. Last evaluated: 2016-11-04. Review status: criteria provided, single submitter. Criteria: Quest Diagnostics criteria. Collection method: clinical testing. Allele origin: germline.

GeneDx
Classification: Benign. Last evaluated: 2015-03-03. Review status: criteria provided, single submitter. Criteria: GeneDx Variant Classification Process June 2021. Collection method: clinical testing. Allele origin: germline. Affected: yes.

Literature cited by the submitters: PubMed 32658311 (cited by Women's Health and Genetics/Laboratory Corporation of America, LabCorp); PubMed 25085752 (cited by Myriad Genetics, Inc.); PubMed 28779002 (cited by Sema4).